The following is an entry in ClinVar:

NM_001379500.1(COL18A1):c.2218C>T (p.Pro740Ser)

Gene: COL18A1 (collagen type XVIII alpha 1 chain; plus strand). Cytogenetic location: 21q22.3.
Variant type: single nucleotide variant.
Coding change: c.2218C>T on transcript NM_001379500.1 (MANE Select); coding-DNA position 2218, C replaced by T.
Protein change: p.Pro740Ser; replaces proline 740 with serine.
Molecular consequence: missense variant.
Genome position (GRCh38, 1-based): chr21:45,493,166, C>T. VCF-style: chr21-45493166-C-T. GRCh37 (hg19) VCF-style: chr21-46913080-C-T.
Other names: c.2758C>T, p.Pro920Ser (NM_030582.4); c.3463C>T, p.Pro1155Ser (NM_130444.3); short protein forms P1155S, P920S, P740S.
Identifiers: ClinVar variation 1995145 (VCV001995145.2), dbSNP rs1462434192, ClinGen allele CA410497249.
Genomic context (GRCh38, chr21:45,493,166, plus strand): 5'-GTCGGGGATGGGGGAGATGCCAGCCGCTCGGGCCTCACGGCCTGGCCTCCATTCCAGGGA[C>T]CTGCAGGACCCAAGGGCAACCTGGGCTCTAAGGGCGAACGAGGCTCCCCGGGACCCAAGG-3'
Protein context (NP_001366429.1, residues 730-750): GRPGFAGFPG[Pro740Ser]AGPKGNLGSK

ClinVar aggregate classification (germline): Uncertain significance (1 of 4 stars; one submission).

Allele frequency attached by ClinVar (database versions not stated): gnomAD exomes below 0.00001; gnomAD 0.00001; 1000 Genomes Project 30x 0.00016.
gnomAD v4.1: 2 of 1,557,882 alleles (0.00013%); highest among the groups gnomAD compares: East Asian, 0.0024%; no homozygotes.

Submission:

Labcorp Genetics (formerly Invitae), Labcorp
Classification: Uncertain significance. Last evaluated: 2023-09-11. Review status: criteria provided, single submitter. Criteria: Invitae Variant Classification Sherloc (09022015). Collection method: clinical testing. Allele origin: germline.
Comment: This sequence change replaces proline, which is neutral and non-polar, with serine, which is neutral and polar, at codon 740 of the COL18A1 protein (p.Pro740Ser). The frequency data for this variant in the population databases is considered unreliable, as metrics indicate poor data quality at this position in the gnomAD database. This variant has not been reported in the literature in individuals affected with COL18A1-related conditions. ClinVar contains an entry for this variant (Variation ID: 1995145). Experimental studies and prediction algorithms are not available or were not evaluated, and the functional significance of this variant is currently unknown. In summary, the available evidence is currently insufficient to determine the role of this variant in disease. Therefore, it has been classified as a Variant of Uncertain Significance.